The following is an entry in ClinVar:

ClinVar aggregate classification (germline): Pathogenic (1 of 4 stars; one submission).

Conditions:
POLG-related disorder. Also called: POLG-Related Spectrum Disorders; POLG-related condition; POLG-Related Disorders. Identifiers: MedGen C4763519.

Submission:

Myriad Genetics, Inc.
Classification: Pathogenic for POLG-related disorder. Last evaluated: 2026-05-10. Review status: criteria provided, single submitter. Criteria: Myriad Autosomal Dominant, Autosomal Recessive and X-Linked Classification Criteria (2023). Collection method: clinical testing. Allele origin: unknown.
Comment: NM_002693.2(POLG):c.3248delT(L1083Rfs*11) is expected to be pathogenic in the context of POLG-related disorders. This variant is predicted to lead to an abnormal or absent protein product due to the creation of a premature termination codon in POLG, a gene where loss-of-function variants are known to be pathogenic. Please note: this variant was assessed in the context of healthy population screening.

NM_002693.3(POLG):c.3248del (p.Leu1083fs)

Gene: POLG (DNA polymerase gamma, catalytic subunit; minus strand). Cytogenetic location: 15q26.1.
Variant type: Deletion.
Coding change: c.3248del on transcript NM_002693.3 (MANE Select); coding-DNA position 3248, one base deleted (T; older notation c.3248delT).
Protein change: p.Leu1083fs; shifts the reading frame from leucine 1083.
Molecular consequence: frameshift variant.
Genome position (GRCh38, 1-based): chr15:89,318,956, A deleted on the plus strand (T on the coding strand, the reverse complement: POLG is on the minus strand). VCF-style (leftmost placement, unchanged base first): chr15-89318955-CA-C. GRCh37 (hg19) VCF-style: chr15-89862186-CA-C.
Other names: c.3248del, p.Leu1083fs (NM_001126131.2); short protein forms L1083fs.
Identifiers: ClinVar variation 5015897 (VCV005015897.1).